The following is an entry in ClinVar:

ClinVar aggregate classification (germline): Likely benign. Review status: criteria provided, multiple submitters, no conflicts (2 of 4 stars). 2 submissions from 2 submitters: Likely benign (2). Last evaluated 2018-06-14.

Allele frequency attached by ClinVar (database versions not stated): 1000 Genomes Project 0.00200; 1000 Genomes Project 30x 0.00234; gnomAD 0.00738 and 0.00779; TOPMed 0.00770; gnomAD exomes 0.00984.
gnomAD v4.1: 13,463 of 1,415,678 alleles (0.95%); highest among the groups gnomAD compares: Non-Finnish European, 1.2%; 104 homozygotes.

Submissions (2):

GeneDx
Classification: Likely benign. Last evaluated: 2018-06-14. Review status: criteria provided, single submitter. Criteria: GeneDx Variant Classification (06012015). Collection method: clinical testing. Allele origin: germline. Affected: yes.
Comment: This variant is considered likely benign or benign based on one or more of the following criteria: it is a conservative change, it occurs at a poorly conserved position in the protein, it is predicted to be benign by multiple in silico algorithms, and/or has population frequency not consistent with disease.

Breakthrough Genomics
Classification: Likely benign. Review status: criteria provided, single submitter. Criteria: ACMG Guidelines, 2015. Collection method: not provided. Allele origin: germline. Inheritance: Autosomal recessive inheritance. Affected: yes.

NM_012463.4(ATP6V0A2):c.1935+75T>C

Genes: ATP6V0A2 (ATPase H+ transporting V0 subunit a2; plus strand), LOC126861666 (CDK7 strongly-dependent group 2 enhancer GRCh37_chr12:124232793-124233992; plus strand). Cytogenetic location: 12q24.31.
Variant type: single nucleotide variant.
Coding change: c.1935+75T>C on transcript NM_012463.4 (MANE Select); 75 bases into the intron after coding-DNA position 1935, T replaced by C.
Molecular consequence: intron variant.
Genome position (GRCh38, 1-based): chr12:123,748,860, T>C. VCF-style: chr12-123748860-T-C. GRCh37 (hg19) VCF-style: chr12-124233407-T-C.
Identifiers: ClinVar variation 678395 (VCV000678395.2), dbSNP rs138200834, ClinGen allele CA245203079.
Genomic context (GRCh38, chr12:123,748,860, plus strand): 5'-CACCCTCATGAACTTAACGGAAGTATTCCCAATAGTCTTTTATTCTGAGCAGTAGAAGTG[T>C]TGGGGTGATCTCCACAGGAGCCTGGGAAGGCTGCTTCTGTCTCTGCATGTGTCATCACTG-3'